The following is an entry in ClinVar:

ClinVar aggregate classification (germline): Uncertain significance (1 of 4 stars; one submission).

Conditions:
Charcot-Marie-Tooth disease type 2. Also called: Charcot-Marie-Tooth type 2. Identifiers: Orphanet 64746, MedGen C0270914, MONDO:0018993.

gnomAD v4.1: 2 of 1,614,180 alleles (0.00012%); highest among the groups gnomAD compares: Non-Finnish European, 0.00017%; no homozygotes.

Submission:

Labcorp Genetics (formerly Invitae), Labcorp
Classification: Uncertain significance for Charcot-Marie-Tooth disease type 2. Last evaluated: 2024-03-24. Review status: criteria provided, single submitter. Criteria: Invitae Variant Classification Sherloc (09022015). Collection method: clinical testing. Allele origin: germline.
Comment: This sequence change replaces alanine, which is neutral and non-polar, with proline, which is neutral and non-polar, at codon 622 of the AARS protein (p.Ala622Pro). This variant is not present in population databases (gnomAD no frequency). This variant has not been reported in the literature in individuals affected with AARS-related conditions. Advanced modeling of protein sequence and biophysical properties (such as structural, functional, and spatial information, amino acid conservation, physicochemical variation, residue mobility, and thermodynamic stability) performed at Invitae indicates that this missense variant is not expected to disrupt AARS protein function with a negative predictive value of 95%. In summary, the available evidence is currently insufficient to determine the role of this variant in disease. Therefore, it has been classified as a Variant of Uncertain Significance.

NM_001605.3(AARS1):c.1864G>C (p.Ala622Pro)

Gene: AARS1 (alanyl-tRNA synthetase 1; minus strand). Cytogenetic location: 16q22.1.
Variant type: single nucleotide variant.
Coding change: c.1864G>C on transcript NM_001605.3 (MANE Select); coding-DNA position 1864, G replaced by C.
Protein change: p.Ala622Pro; replaces alanine 622 with proline.
Molecular consequence: missense variant.
Genome position (GRCh38, 1-based): chr16:70,259,108, C>G on the plus strand (G>C on the coding strand, the complement: AARS1 is on the minus strand). VCF-style: chr16-70259108-C-G. GRCh37 (hg19) VCF-style: chr16-70293011-C-G.
Other names: short protein forms A622P.
Identifiers: ClinVar variation 3669999 (VCV003669999.2).
Genomic context (GRCh38, chr16:70,259,108, plus strand): 5'-CCTTGGCAGTAAAGTCAAATCTGAGGCGGTCAGGAGCAACCAATGAGCCTTTCTGGTCAG[C>G]TTCCCCAAGCACTGAGCGCAGGGCGAAGTTCAGAATGTGCGTAGCTGTGTGGTTGCTCAT-3'
Protein context (NP_001596.2, residues 612-632): NFALRSVLGE[Ala622Pro]DQKGSLVAPD